The following is an entry in ClinVar:

NM_004655.4(AXIN2):c.650G>A (p.Ser217Asn)

Gene: AXIN2 (axin 2; minus strand). Cytogenetic location: 17q24.1.
Variant type: single nucleotide variant.
Coding change: c.650G>A on transcript NM_004655.4 (MANE Select); coding-DNA position 650, G replaced by A.
Protein change: p.Ser217Asn; replaces serine 217 with asparagine.
Molecular consequence: missense variant.
Genome position (GRCh38, 1-based): chr17:65,557,971, C>T on the plus strand (G>A on the coding strand, the complement: AXIN2 is on the minus strand). VCF-style: chr17-65557971-C-T. GRCh37 (hg19) VCF-style: chr17-63554089-C-T.
Other names: c.650G>A, p.Ser217Asn (NM_001363813.1); short protein forms S217N.
Identifiers: ClinVar variation 1692856 (VCV001692856.2), dbSNP rs2144583537, ClinGen allele CA400680570.
Genomic context (GRCh38, chr17:65,557,971, plus strand): 5'-GCACAAGTCCACTCCTCTTCTTCATTCAAGGTGGGGAGATAGCCACACACGACCTTTAGG[C>T]TCCCGAGTCCCCCATTACTCATGTAAGCTGTGTTTTCTCCCCCACTCCTCACATATTCGA-3'
Protein context (NP_004646.3, residues 207-227): TAYMSNGGLG[Ser217Asn]LKVVCGYLPT

ClinVar aggregate classification (germline): Uncertain significance. Review status: criteria provided, multiple submitters, no conflicts (2 of 4 stars). 2 submissions from 2 submitters: Uncertain significance (2). Last evaluated 2026-05-08.

Conditions:
Hereditary cancer-predisposing syndrome. Also called: Hereditary Cancer Syndrome; Neoplastic Syndromes, Hereditary; Hereditary neoplastic syndrome; Tumor predisposition. Identifiers: Orphanet 140162, MedGen C0027672, MeSH D009386, MONDO:0015356.

Allele frequency attached by ClinVar (database versions not stated): gnomAD exomes below 0.00001.
gnomAD v4.1: 1 of 1,614,196 alleles (0.000062%); highest among the groups gnomAD compares: Non-Finnish European, 0.000085%; no homozygotes.

Submissions (2):

Ambry Genetics
Classification: Uncertain significance for Hereditary cancer-predisposing syndrome. Last evaluated: 2026-05-08. Review status: criteria provided, single submitter. Criteria: Ambry Variant Classification Scheme 2023. Collection method: clinical testing. Allele origin: germline.
Comment: The p.S217N variant (also known as c.650G>A), located in coding exon 1 of the AXIN2 gene, results from a G to A substitution at nucleotide position 650. The serine at codon 217 is replaced by asparagine, an amino acid with highly similar properties. This amino acid position is highly conserved in available vertebrate species. In addition, this alteration is predicted to be tolerated by in silico analysis. Based on the available evidence, the clinical significance of this variant remains unclear.

Sema4
Classification: Uncertain significance for Hereditary cancer-predisposing syndrome. Last evaluated: 2021-04-20. Review status: criteria provided, single submitter. Criteria: Sema4 Curation Guidelines. Collection method: curation. Allele origin: germline.
Comment: The AXIN2 c.650G>A (p.S217N) variant has not been reported in the literature to our knowledge. It was not observed in the large and broad cohorts of the Genome Aggregation Database (PMID: 32461654). This variant has not been reported in ClinVar. In silico tools suggest the impact of the variant on protein function is inconclusive, though these predictions have not been confirmed by functional studies. The evidence is insufficient to meet ACMG/AMP criteria for classifying the variant as benign or pathogenic. Thus, the clinical significance of this variant is currently uncertain.